The following is an entry in ClinVar:

ClinVar aggregate classification (germline): Likely pathogenic (1 of 4 stars; one submission).

Conditions:
Hereditary cancer-predisposing syndrome. Also called: Neoplastic Syndromes, Hereditary; Tumor predisposition; Hereditary neoplastic syndrome; Hereditary Cancer Syndrome. Identifiers: Orphanet 140162, MedGen C0027672, MeSH D009386, MONDO:0015356.

Submission:

Ambry Genetics
Classification: Likely pathogenic for Hereditary cancer-predisposing syndrome. Last evaluated: 2025-01-31. Review status: criteria provided, single submitter. Criteria: Ambry Variant Classification Scheme 2023. Collection method: clinical testing. Allele origin: germline.
Comment: The c.8059_8064delGTTCTC variant (also known as p.V2687_L2688del) is located in coding exon 17 of the BRCA2 gene. This variant results from an in-frame GTTCTC deletion at nucleotide positions 8059 to 8064. This results in the in-frame deletion of a valine and leucine residue at codons 2687 and 2688. This amino acid region is well conserved on species alignment and the impacted region is critical for protein function (Ambry internal data). This variant is considered to be rare based on population cohorts in the Genome Aggregation Database (gnomAD). Based on the majority of available evidence to date, this variant is likely to be pathogenic.

NM_000059.4(BRCA2):c.8059_8064del (p.Val2687_Leu2688del)

Gene: BRCA2 (BRCA2 DNA repair associated; plus strand). Cytogenetic location: 13q13.1.
Variant type: Deletion.
Coding change: c.8059_8064del on transcript NM_000059.4 (MANE Select); coding-DNA positions 8059 to 8064, 6 bases deleted (GTTCTC; older notation c.8059_8064delGTTCTC).
Protein change: p.Val2687_Leu2688del.
Molecular consequence: inframe deletion.
Genome position (GRCh38, 1-based): chr13:32,363,261-32,363,266, GTTCTC deleted. VCF-style (leftmost placement, unchanged base first): chr13-32363260-TGTTCTC-T. GRCh37 (hg19) VCF-style: chr13-32937397-TGTTCTC-T.
Identifiers: ClinVar variation 827426 (VCV000827426.6), dbSNP rs1593924996, ClinGen allele CA915946889.